The following is an entry in ClinVar:

NM_020433.5(JPH2):c.684C>G (p.Gly228=)

Gene: JPH2 (junctophilin 2; minus strand). Cytogenetic location: 20q13.12.
Variant type: single nucleotide variant.
Coding change: c.684C>G on transcript NM_020433.5 (MANE Select); coding-DNA position 684, C replaced by G.
Protein change: p.Gly228=; no amino-acid change (glycine 228 retained).
Molecular consequence: synonymous variant.
Genome position (GRCh38, 1-based): chr20:44,160,103, G>C on the plus strand (C>G on the coding strand, the complement: JPH2 is on the minus strand). VCF-style: chr20-44160103-G-C. GRCh37 (hg19) VCF-style: chr20-42788743-G-C.
Identifiers: ClinVar variation 4982148 (VCV004982148.1).
Genomic context (GRCh38, chr20:44,160,103, plus strand): 5'-GAAGCTGACACGGCTGCGCTGGCTACCCACGGACGTGCGCGACTCTGCGCGCCGCAGCTT[G>C]CCCAGCAGCGCGCCCCGCTGGAAGAGGCCGCCGCCCTTGGGCGCCCGCGCGGCCGCCTCG-3'
Protein context (NP_065166.2, residues 218-238): GGLFQRGALL[Gly228=]KLRRAESRTS

ClinVar aggregate classification (germline): Likely benign (1 of 4 stars; one submission).

Conditions:
JPH2-related disorder. Also called: JPH2-related condition.

Submission:

PreventionGenetics, part of Exact Sciences
Classification: Likely benign for JPH2-related condition. Last evaluated: 2026-09-25. Review status: criteria provided, single submitter. Criteria: ACMG Guidelines, 2015. Collection method: clinical testing. Allele origin: germline.
Comment: This variant is classified as likely benign based on ACMG/AMP sequence variant interpretation guidelines (Richards et al. 2015 PMID: 25741868, with internal and published modifications).